The following is an entry in ClinVar:

ClinVar aggregate classification (germline): Likely benign. Review status: criteria provided, multiple submitters, no conflicts (2 of 4 stars). 4 submissions from 4 submitters: Likely benign (3). 1 of the submissions does not count toward it. Last evaluated 2025-12-30.

Conditions:
Jeune thoracic dystrophy. Also called: Short-rib thoracic dysplasia; Jeune syndrome; Infantile thoracic dystrophy; Thoracic pelvic phalangeal dystrophy; Jeune's syndrome; Chondroectodermal dysplasia-like syndrome. Identifiers: Orphanet 474, MedGen C0265275, MONDO:0018770.
DYNC2H1-related disorder. Also called: DYNC2H1-related condition; DYNC2H1-related disorders. Identifiers: MedGen CN378770.
Asphyxiating thoracic dystrophy 3. Also called: Short rib polydactyly syndrome 2B; Saldino-Noonan Syndrome; SHORT-RIB THORACIC DYSPLASIA 3 WITH OR WITHOUT POLYDACTYLY; POLYDACTYLY WITH NEONATAL CHONDRODYSTROPHY, TYPE I; SHORT-RIB THORACIC DYSPLASIA 3/6 WITH POLYDACTYLY, DIGENIC. Identifiers: Orphanet 474, Orphanet 93269, Orphanet 93270, Orphanet 93271, MedGen C0036069, MONDO:0013127, OMIM 613091.

Allele frequency attached by ClinVar (database versions not stated): gnomAD exomes 0.00001; gnomAD 0.00010 and 0.00011; 1000 Genomes Project 0.00020; TOPMed 0.00033.
gnomAD v4.1: 36 of 1,606,316 alleles (0.0022%); highest among the groups gnomAD compares: Admixed American, 0.047%; no homozygotes.

Submissions (4):

Labcorp Genetics (formerly Invitae), Labcorp
Classification: Likely benign for Jeune thoracic dystrophy. Last evaluated: 2025-12-30. Review status: criteria provided, single submitter. Criteria: Invitae Variant Classification Sherloc (09022015). Collection method: clinical testing. Allele origin: germline.

Blueprint Genetics
Classification: Likely benign. Last evaluated: 2022-06-23. Review status: criteria provided, single submitter. Criteria: ACMG Guidelines, 2015. Collection method: clinical testing. Allele origin: germline.

ARUP Laboratories, Molecular Genetics and Genomics, ARUP Laboratories
Classification: Likely benign for Asphyxiating thoracic dystrophy 3. Last evaluated: 2019-11-08. Review status: criteria provided, single submitter. Criteria: ARUP Molecular Germline Variant Investigation Process. Collection method: clinical testing. Allele origin: germline.

PreventionGenetics, part of Exact Sciences
Classification: Likely benign for DYNC2H1-related condition. Last evaluated: 2019-05-20. Review status: no assertion criteria provided. Collection method: clinical testing. Allele origin: germline. Not counted in ClinVar's aggregate classification.
Comment: This variant is classified as likely benign based on ACMG/AMP sequence variant interpretation guidelines (Richards et al. 2015 PMID: 25741868, with internal and published modifications).

NM_001377.3(DYNC2H1):c.9178A>C (p.Arg3060=)

Gene: DYNC2H1 (dynein cytoplasmic 2 heavy chain 1; plus strand). Cytogenetic location: 11q22.3.
Variant type: single nucleotide variant.
Coding change: c.9178A>C on transcript NM_001377.3 (MANE Select); coding-DNA position 9178, A replaced by C.
Protein change: p.Arg3060=; no amino-acid change (arginine 3060 retained).
Molecular consequence: synonymous variant.
Genome position (GRCh38, 1-based): chr11:103,222,100, A>C. VCF-style: chr11-103222100-A-C. GRCh37 (hg19) VCF-style: chr11-103092829-A-C.
Other names: c.9178A>C, p.Arg3060= (NM_001080463.2).
Identifiers: ClinVar variation 699826 (VCV000699826.20), dbSNP rs200515728, ClinGen allele CA227417603.
Genomic context (GRCh38, chr11:103,222,100, plus strand): 5'-AAAAGAGGTGTAAGAGAAGACATAGCAACCTTTGATGCCCGAAATATTTCAAAGGAAATA[A>C]GAGAGAGTGTTGAAGAACTTCTTTTTAAAAATAAAGGCTCTTTTGATCCAAAGGTAATTT-3'
Protein context (NP_001368.2, residues 3050-3070): FDARNISKEI[Arg3060=]ESVEELLFKN